The following is an entry in ClinVar:

NM_005228.5(EGFR):c.2866G>C (p.Asp956His)

Gene: EGFR (epidermal growth factor receptor; plus strand). Cytogenetic location: 7p11.2.
Variant type: single nucleotide variant.
Coding change: c.2866G>C on transcript NM_005228.5 (MANE Select); coding-DNA position 2866, G replaced by C.
Protein change: p.Asp956His; replaces aspartic acid 956 with histidine.
Molecular consequence: missense variant.
Genome position (GRCh38, 1-based): chr7:55,200,333, G>C. VCF-style: chr7-55200333-G-C. GRCh37 (hg19) VCF-style: chr7-55268026-G-C.
Other names: c.2731G>C, p.Asp911His (NM_001346897.2, NM_001346899.2); c.2866G>C, p.Asp956His (NM_001346898.2); c.2707G>C, p.Asp903His (NM_001346900.2); c.2065G>C, p.Asp689His (NM_001346941.2); short protein forms D689H, D911H, D956H, D903H.
Identifiers: ClinVar variation 4638744 (VCV004638744.1).

ClinVar aggregate classification (germline): Uncertain significance (1 of 4 stars; one submission).

Conditions:
Hereditary cancer-predisposing syndrome. Also called: Neoplastic Syndromes, Hereditary; Tumor predisposition; Hereditary Cancer Syndrome; Hereditary neoplastic syndrome. Identifiers: Orphanet 140162, MedGen C0027672, MeSH D009386, MONDO:0015356.

Submission:

Ambry Genetics
Classification: Uncertain significance for Hereditary cancer-predisposing syndrome. Last evaluated: 2025-10-17. Review status: criteria provided, single submitter. Criteria: Ambry Variant Classification Scheme 2023. Collection method: clinical testing. Allele origin: germline.
Comment: The p.D956H variant (also known as c.2866G>C), located in coding exon 24 of the EGFR gene, results from a G to C substitution at nucleotide position 2866. The aspartic acid at codon 956 is replaced by histidine, an amino acid with similar properties. This amino acid position is not well conserved in available vertebrate species. In addition, the in silico prediction for this alteration is inconclusive. Based on the available evidence, the clinical significance of this variant remains unclear.